The following is an entry in ClinVar:

NM_001330360.2(POLA1):c.1229C>A (p.Thr410Lys)

Gene: POLA1 (DNA polymerase alpha 1, catalytic subunit; plus strand). Cytogenetic location: Xp22.11.
Variant type: single nucleotide variant.
Coding change: c.1229C>A on transcript NM_001330360.2 (MANE Select); coding-DNA position 1229, C replaced by A.
Protein change: p.Thr410Lys; replaces threonine 410 with lysine.
Molecular consequence: missense variant. On other transcripts: non-coding transcript variant (2).
Genome position (GRCh38, 1-based): chrX:24,724,363, C>A. VCF-style: chrX-24724363-C-A. GRCh37 (hg19) VCF-style: chrX-24742480-C-A.
Other names: c.1229C>A, p.Thr410Lys (NM_001378303.1, NM_001440806.1); c.1211C>A, p.Thr404Lys (NM_016937.4); short protein forms T404K, T410K.
Identifiers: ClinVar variation 4975449 (VCV004975449.1).

ClinVar aggregate classification (germline): Uncertain significance (1 of 4 stars; one submission).

Submission:

GeneDx
Classification: Uncertain significance. Last evaluated: 2026-02-03. Review status: criteria provided, single submitter. Criteria: GeneDx Variant Classification Process June 2021. Collection method: clinical testing. Allele origin: germline.
Comment: Not observed at significant frequency in large population cohorts (gnomAD); In silico analysis supports that this missense variant has a deleterious effect on protein structure/function; Has not been previously published as pathogenic or benign to our knowledge